The following is an entry in ClinVar:

ClinVar aggregate classification (germline): Likely pathogenic. Review status: reviewed by expert panel (3 of 4 stars). 5 submissions from 5 submitters: Likely pathogenic (1). 4 of the submissions do not count toward it. Last evaluated 2024-05-09.

Conditions:
Monogenic diabetes. Identifiers: Orphanet 183625, MedGen C3888631, MONDO:0015967.
Maturity-onset diabetes of the young (MODY). Also called: Maturity onset diabetes mellitus in young. Identifiers: Orphanet 552, MedGen C0342276, MONDO:0018911, HP:0004904.

Submissions (5):

ClinGen Monogenic Diabetes Variant Curation Expert Panel
Classification: Likely pathogenic for Monogenic diabetes. Last evaluated: 2024-05-09. Review status: reviewed by expert panel. Criteria: ClinGen Diabetes ACMG Specifications HNF4A V2.0.0. Collection method: curation. Allele origin: germline. Inheritance: Autosomal dominant inheritance.
Comment: The c.514C>T variant in the hepatocyte nuclear factor 4-alpha gene, HNF4A, results in a premature termination at codon 172 (p.(Gln172Ter)) of NM_175914.5. This variant, located in biologically-relevant exon 5 of 10, is predicted to lead to nonsense mediated decay in a gene in which loss-of-function is an established disease mechanism (PVS1; PMID: 23348805). This variant is absent in gnomAD v2.1.1 (PM2_Supporting). This variant was identified in at least two individuals with diabetes; however, the MODY probability is unable to be calculated due to lack of clinical information (ClinVar ID: 488999). In summary, c.514C>T meets the criteria to be classified as likely pathogenic for monogenic diabetes. ACMG/AMP criteria applied, as specified by the ClinGen MDEP (specification version 2.0.0, approved 10/11/2023).

GeneDx
Classification: Pathogenic. Last evaluated: 2024-08-08. Review status: criteria provided, single submitter. Criteria: GeneDx Variant Classification Process June 2021. Collection method: clinical testing. Allele origin: germline. Affected: yes. Not counted in ClinVar's aggregate classification.
Comment: Nonsense variant predicted to result in protein truncation or nonsense mediated decay in a gene for which loss of function is a known mechanism of disease; Not observed at significant frequency in large population cohorts (gnomAD); Has not been previously published as pathogenic or benign to our knowledge

Labcorp Genetics (formerly Invitae), Labcorp
Classification: Pathogenic. Last evaluated: 2024-03-05. Review status: criteria provided, single submitter. Criteria: Invitae Variant Classification Sherloc (09022015). Collection method: clinical testing. Allele origin: germline. Not counted in ClinVar's aggregate classification.
Comment: This sequence change creates a premature translational stop signal (p.Gln172*) in the HNF4A gene. It is expected to result in an absent or disrupted protein product. Loss-of-function variants in HNF4A are known to be pathogenic (PMID: 20164212, 23275527, 23348805, 24097065). This variant is not present in population databases (gnomAD no frequency). This variant has not been reported in the literature in individuals affected with HNF4A-related conditions. ClinVar contains an entry for this variant (Variation ID: 488999). For these reasons, this variant has been classified as Pathogenic.

Genetic Services Laboratory, University of Chicago
Classification: Pathogenic. Last evaluated: 2018-08-23. Review status: criteria provided, single submitter. Criteria: ACMG Guidelines, 2015. Collection method: clinical testing. Allele origin: germline. Affected: yes. Not counted in ClinVar's aggregate classification.
Comment: DNA sequence analysis of the HNF4A gene demonstrated a sequence change, c.514C>T, which results in the creation of a premature stop codon at amino acid position 172, p.Gln172*. This pathogenic sequence change is predicted to result in an abnormal transcript, which may be degraded, or may lead to the production of a truncated HNF4A protein with potentially abnormal function. This pathogenic sequence change has not been previously been described in the scientific literature in patients with HNF4A-related disorders, and is also absent from large population databases such as gnomAD.

Clinical Genomics, Uppaluri K&H Personalized Medicine Clinic
Classification: Pathogenic for Maturity-onset diabetes of the young. Review status: criteria provided, single submitter. Criteria: K & H Uppaluri Personalized Medicine Clinic Variant Classification & Assertion Criteria_Updated V.1. Collection method: research. Allele origin: unknown. Inheritance: Autosomal dominant inheritance. Not counted in ClinVar's aggregate classification.
Comment: Potent mutations in HNF4A are associated with poor insulin secretion in response to hyperglycemia. Associated with MODY1. Patients initially respond well to sulfonylureas but eventually become insulin dependent. However, more evidence is required to ascertain the role of this particular variant rs1555815396 in MODY, yet.

Literature cited by the submitters: PubMed 20164212 (cited by Labcorp Genetics (formerly Invitae), Labcorp); PubMed 23275527 (cited by Labcorp Genetics (formerly Invitae), Labcorp); PubMed 23348805 (cited by Labcorp Genetics (formerly Invitae), Labcorp); PubMed 24097065 (cited by Labcorp Genetics (formerly Invitae), Labcorp); PubMed 18268044 (cited by Clinical Genomics, Uppaluri K&H Personalized Medicine Clinic); PubMed 17563455 (cited by Clinical Genomics, Uppaluri K&H Personalized Medicine Clinic); PubMed 32583173 (cited by Clinical Genomics, Uppaluri K&H Personalized Medicine Clinic); PubMed 35052457 (cited by Clinical Genomics, Uppaluri K&H Personalized Medicine Clinic); PubMed 35118593 (cited by Clinical Genomics, Uppaluri K&H Personalized Medicine Clinic); DOI 10.1159/000334532 (cited by Clinical Genomics, Uppaluri K&H Personalized Medicine Clinic).

NM_175914.5(HNF4A):c.514C>T (p.Gln172Ter)

Gene: HNF4A (hepatocyte nuclear factor 4 alpha; plus strand). Cytogenetic location: 20q13.12.
Variant type: single nucleotide variant.
Coding change: c.514C>T on transcript NM_175914.5 (MANE Select); coding-DNA position 514, C replaced by T.
Protein change: p.Gln172Ter; replaces glutamine 172 with a stop codon.
Molecular consequence: nonsense.
Genome position (GRCh38, 1-based): chr20:44,414,594, C>T. VCF-style: chr20-44414594-C-T. GRCh37 (hg19) VCF-style: chr20-43043234-C-T.
Other names: NM_175914.5(HNF4A):c.514C>T; p.Gln172Ter; c.580C>T, p.Gln194Ter (NM_000457.6, NM_178849.3, NM_178850.3); c.514C>T, p.Gln172Ter (NM_001030003.3, NM_001030004.3); c.559C>T, p.Gln187Ter (NM_001258355.2); c.505C>T, p.Gln169Ter (NM_001287182.2, NM_001287183.2, NM_001287184.2); short protein forms Q169*, Q172*, Q194*, Q187*.
Identifiers: ClinVar variation 488999 (VCV000488999.11), dbSNP rs1555815396, ClinGen allele CA409106057.